The following is an entry in ClinVar:

ClinVar aggregate classification (germline): Uncertain significance. Review status: criteria provided, multiple submitters, no conflicts (2 of 4 stars). 2 submissions from 2 submitters: Uncertain significance (2). Last evaluated 2025-11-26.

Conditions:
Snijders Blok-Campeau syndrome. Also called: INTELLECTUAL DEVELOPMENTAL DISORDER WITH MACROCEPHALY, SPEECH DELAY, AND DYSMORPHIC FACIES. Identifiers: Orphanet 599082, MedGen C4748701, MONDO:0032600, OMIM 618205.

Submissions (2):

Laboratorio de Genetica e Diagnostico Molecular, Hospital Israelita Albert Einstein
Classification: Uncertain significance for Snijders Blok-Campeau syndrome. Last evaluated: 2025-11-26. Review status: criteria provided, single submitter. Criteria: ACMG Guidelines, 2015. Collection method: clinical testing. Allele origin: germline. Affected: yes.
Comment: ACMG classification criteria: PM2 supporting, PP2 supporting, PP3 supporting

GeneDx
Classification: Uncertain significance. Last evaluated: 2024-05-06. Review status: criteria provided, single submitter. Criteria: GeneDx Variant Classification Process June 2021. Collection method: clinical testing. Allele origin: germline. Affected: yes.
Comment: Not observed at significant frequency in large population cohorts (gnomAD); In silico analysis supports that this missense variant has a deleterious effect on protein structure/function; Has not been previously published as pathogenic or benign to our knowledge

NM_001005273.3(CHD3):c.4325G>A (p.Arg1442Gln)

Gene: CHD3 (chromodomain helicase DNA binding protein 3; plus strand). Cytogenetic location: 17p13.1.
Variant type: single nucleotide variant.
Coding change: c.4325G>A on transcript NM_001005273.3 (MANE Select); coding-DNA position 4325, G replaced by A.
Protein change: p.Arg1442Gln; replaces arginine 1442 with glutamine.
Molecular consequence: missense variant.
Genome position (GRCh38, 1-based): chr17:7,905,956, G>A. VCF-style: chr17-7905956-G-A. GRCh37 (hg19) VCF-style: chr17-7809274-G-A.
Other names: c.4502G>A, p.Arg1501Gln (NM_001005271.3); c.4325G>A, p.Arg1442Gln (NM_005852.4); short protein forms R1442Q, R1501Q.
Identifiers: ClinVar variation 3375492 (VCV003375492.2).